The following is an entry in ClinVar:

ClinVar aggregate classification (germline): Uncertain significance. Review status: criteria provided, multiple submitters, no conflicts (2 of 4 stars). 2 submissions from 2 submitters: Uncertain significance (2). Last evaluated 2025-01-16.

Conditions:
Primary ciliary dyskinesia. Also called: Ciliary dyskinesia. Identifiers: Orphanet 244, MedGen C0008780, MONDO:0016575, HP:0012265.

Allele frequency attached by ClinVar (database versions not stated): gnomAD 0.00001 and 0.00002; gnomAD exomes 0.00001; TOPMed 0.00001; ExAC 0.00002.
gnomAD v4.1: 11 of 1,613,772 alleles (0.00068%); highest among the groups gnomAD compares: Middle Eastern, 0.016%; no homozygotes.

Submissions (2):

Ambry Genetics
Classification: Uncertain significance for Primary ciliary dyskinesia. Last evaluated: 2025-01-16. Review status: criteria provided, single submitter. Criteria: Ambry Variant Classification Scheme 2023. Collection method: clinical testing. Allele origin: germline.
Comment: The p.S3089L variant (also known as c.9266C>T), located in coding exon 55 of the DNAH5 gene, results from a C to T substitution at nucleotide position 9266. The serine at codon 3089 is replaced by leucine, an amino acid with dissimilar properties. This amino acid position is conserved. In addition, this alteration is predicted to be deleterious by in silico analysis. Based on the available evidence, the clinical significance of this variant remains unclear.

Labcorp Genetics (formerly Invitae), Labcorp
Classification: Uncertain significance for Primary ciliary dyskinesia. Last evaluated: 2022-10-13. Review status: criteria provided, single submitter. Criteria: Invitae Variant Classification Sherloc (09022015). Collection method: clinical testing. Allele origin: germline.
Comment: This sequence change replaces serine, which is neutral and polar, with leucine, which is neutral and non-polar, at codon 3089 of the DNAH5 protein (p.Ser3089Leu). This variant is present in population databases (rs759831156, gnomAD 0.006%). This variant has not been reported in the literature in individuals affected with DNAH5-related conditions. ClinVar contains an entry for this variant (Variation ID: 1438994). Advanced modeling of protein sequence and biophysical properties (such as structural, functional, and spatial information, amino acid conservation, physicochemical variation, residue mobility, and thermodynamic stability) has been performed at Invitae for this missense variant, however the output from this modeling did not meet the statistical confidence thresholds required to predict the impact of this variant on DNAH5 protein function. In summary, the available evidence is currently insufficient to determine the role of this variant in disease. Therefore, it has been classified as a Variant of Uncertain Significance.

NM_001369.3(DNAH5):c.9266C>T (p.Ser3089Leu)

Gene: DNAH5 (dynein axonemal heavy chain 5; minus strand). Cytogenetic location: 5p15.2.
Variant type: single nucleotide variant.
Coding change: c.9266C>T on transcript NM_001369.3 (MANE Select); coding-DNA position 9266, C replaced by T.
Protein change: p.Ser3089Leu; replaces serine 3089 with leucine.
Molecular consequence: missense variant.
Genome position (GRCh38, 1-based): chr5:13,776,546, G>A on the plus strand (C>T on the coding strand, the complement: DNAH5 is on the minus strand). VCF-style: chr5-13776546-G-A. GRCh37 (hg19) VCF-style: chr5-13776655-G-A.
Other names: c.9266C>T (NM_001369.2); short protein forms S3089L.
Identifiers: ClinVar variation 1438994 (VCV001438994.7), dbSNP rs759831156, ClinGen allele CA3202587.